The following is an entry in ClinVar:

NM_004385.5(VCAN):c.9932T>C (p.Met3311Thr)

Gene: VCAN (versican; plus strand). Cytogenetic location: 5q14.3.
Variant type: single nucleotide variant.
Coding change: c.9932T>C on transcript NM_004385.5 (MANE Select); coding-DNA position 9932, T replaced by C.
Protein change: p.Met3311Thr; replaces methionine 3311 with threonine.
Molecular consequence: missense variant.
Genome position (GRCh38, 1-based): chr5:83,580,031, T>C. VCF-style: chr5-83580031-T-C. GRCh37 (hg19) VCF-style: chr5-82875850-T-C.
Other names: c.1709T>C, p.Met570Thr (NM_001126336.3); c.6971T>C, p.Met2324Thr (NM_001164097.2); c.4670T>C, p.Met1557Thr (NM_001164098.2); short protein forms M3311T, M570T, M1557T, M2324T.
Identifiers: ClinVar variation 837271 (VCV000837271.8), dbSNP rs776892379, ClinGen allele CA3334128.

ClinVar aggregate classification (germline): Uncertain significance. Review status: criteria provided, multiple submitters, no conflicts (2 of 4 stars). 2 submissions from 2 submitters: Uncertain significance (2). Last evaluated 2025-12-15.

Allele frequency attached by ClinVar (database versions not stated): gnomAD exomes below 0.00001 and 0.00002; ExAC 0.00001; gnomAD 0.00002; TOPMed 0.00002.
gnomAD v4.1: 37 of 1,614,032 alleles (0.0023%); highest among the groups gnomAD compares: Non-Finnish European, 0.0031%; no homozygotes.

Submissions (2):

Labcorp Genetics (formerly Invitae), Labcorp
Classification: Uncertain significance. Last evaluated: 2025-12-15. Review status: criteria provided, single submitter. Criteria: Invitae Variant Classification Sherloc (09022015). Collection method: clinical testing. Allele origin: germline.
Comment: This sequence change replaces methionine, which is neutral and non-polar, with threonine, which is neutral and polar, at codon 3311 of the VCAN protein (p.Met3311Thr). This variant is present in population databases (rs776892379, gnomAD 0.0009%). This variant has not been reported in the literature in individuals affected with VCAN-related conditions. ClinVar contains an entry for this variant (Variation ID: 837271). An algorithm developed to predict the effect of missense changes on protein structure and function (PolyPhen-2) suggests that this variant is likely to be disruptive. In summary, the available evidence is currently insufficient to determine the role of this variant in disease. Therefore, it has been classified as a Variant of Uncertain Significance.

Blueprint Genetics
Classification: Uncertain significance. Last evaluated: 2021-11-02. Review status: criteria provided, single submitter. Criteria: ACMG Guidelines, 2015. Collection method: clinical testing. Allele origin: germline.